The following is an entry in ClinVar:

NM_000293.3(PHKB):c.2342C>T (p.Ala781Val)

Gene: PHKB (phosphorylase kinase regulatory subunit beta; plus strand). Cytogenetic location: 16q12.1.
Variant type: single nucleotide variant.
Coding change: c.2342C>T on transcript NM_000293.3 (MANE Select); coding-DNA position 2342, C replaced by T.
Protein change: p.Ala781Val; replaces alanine 781 with valine.
Molecular consequence: missense variant. On other transcripts: intron variant (2).
Genome position (GRCh38, 1-based): chr16:47,664,890, C>T. VCF-style: chr16-47664890-C-T. GRCh37 (hg19) VCF-style: chr16-47698801-C-T.
Other names: c.2337-1052C>T (NM_001363837.1); c.2316-1052C>T (NM_001031835.3); c.2342C>T (NM_000293.2); short protein forms A781V.
Identifiers: ClinVar variation 2190846 (VCV002190846.2), dbSNP rs759094998, ClinGen allele CA8041168.

ClinVar aggregate classification (germline): Uncertain significance. Review status: criteria provided, multiple submitters, no conflicts (2 of 4 stars). 2 submissions from 2 submitters: Uncertain significance (2). Last evaluated 2023-12-09.

Conditions:
Inborn genetic diseases. Identifiers: MedGen C0950123, MeSH D030342.
Glycogen storage disease IXb (GSD9B). Also called: PHOSPHORYLASE KINASE DEFICIENCY OF LIVER AND MUSCLE, AUTOSOMAL RECESSIVE; GLYCOGENOSIS OF LIVER AND MUSCLE, AUTOSOMAL RECESSIVE; GSD IXb. Identifiers: Orphanet 79240, MedGen C0543514, MONDO:0009868, OMIM 261750.

Allele frequency attached by ClinVar (database versions not stated): ExAC 0.00001; gnomAD exomes 0.00002; gnomAD 0.00004; TOPMed 0.00005.
gnomAD v4.1: 33 of 1,610,994 alleles (0.002%); highest among the groups gnomAD compares: Admixed American, 0.0033%; no homozygotes.

Submissions (2):

Ambry Genetics
Classification: Uncertain significance for Inborn genetic diseases. Last evaluated: 2023-12-09. Review status: criteria provided, single submitter. Criteria: Ambry Variant Classification Scheme 2023. Collection method: clinical testing. Allele origin: germline.

Labcorp Genetics (formerly Invitae), Labcorp
Classification: Uncertain significance for Glycogen storage disease IXb. Last evaluated: 2022-07-11. Review status: criteria provided, single submitter. Criteria: Invitae Variant Classification Sherloc (09022015). Collection method: clinical testing. Allele origin: germline.
Comment: This sequence change replaces alanine, which is neutral and non-polar, with valine, which is neutral and non-polar, at codon 781 of the PHKB protein (p.Ala781Val). The frequency data for this variant in the population databases is considered unreliable, as metrics indicate poor data quality at this position in the gnomAD database. This variant has not been reported in the literature in individuals affected with PHKB-related conditions. Algorithms developed to predict the effect of missense changes on protein structure and function (SIFT, PolyPhen-2, Align-GVGD) all suggest that this variant is likely to be tolerated. In summary, the available evidence is currently insufficient to determine the role of this variant in disease. Therefore, it has been classified as a Variant of Uncertain Significance.